The following is an entry in ClinVar:

NM_000443.4(ABCB4):c.376G>A (p.Gly126Arg)

Gene: ABCB4 (ATP binding cassette subfamily B member 4; minus strand). Cytogenetic location: 7q21.12.
Variant type: single nucleotide variant.
Coding change: c.376G>A on transcript NM_000443.4 (MANE Select); coding-DNA position 376, G replaced by A.
Protein change: p.Gly126Arg; replaces glycine 126 with arginine.
Molecular consequence: missense variant.
Genome position (GRCh38, 1-based): chr7:87,453,104, C>T on the plus strand (G>A on the coding strand, the complement: ABCB4 is on the minus strand). VCF-style: chr7-87453104-C-T. GRCh37 (hg19) VCF-style: chr7-87082420-C-T.
Other names: c.376G>A, p.Gly126Arg (NM_018849.3, NM_018850.3); short protein forms G126R.
Identifiers: ClinVar variation 2785531 (VCV002785531.3), dbSNP rs2546865068, ClinGen allele CA368054842.

ClinVar aggregate classification (germline): Uncertain significance (1 of 4 stars; one submission).

Submission:

Labcorp Genetics (formerly Invitae), Labcorp
Classification: Uncertain significance. Last evaluated: 2023-04-14. Review status: criteria provided, single submitter. Criteria: Invitae Variant Classification Sherloc (09022015). Collection method: clinical testing. Allele origin: germline.
Comment: This variant is not present in population databases (gnomAD no frequency). This variant has not been reported in the literature in individuals affected with ABCB4-related conditions. Advanced modeling of protein sequence and biophysical properties (such as structural, functional, and spatial information, amino acid conservation, physicochemical variation, residue mobility, and thermodynamic stability) has been performed at Invitae for this missense variant, however the output from this modeling did not meet the statistical confidence thresholds required to predict the impact of this variant on ABCB4 protein function. In summary, the available evidence is currently insufficient to determine the role of this variant in disease. Therefore, it has been classified as a Variant of Uncertain Significance. This sequence change replaces glycine, which is neutral and non-polar, with arginine, which is basic and polar, at codon 126 of the ABCB4 protein (p.Gly126Arg).